The following is an entry in ClinVar:

ClinVar aggregate classification (germline): Uncertain significance (1 of 4 stars; one submission).

Conditions:
Hereditary cancer-predisposing syndrome. Also called: Neoplastic Syndromes, Hereditary; Tumor predisposition; Hereditary neoplastic syndrome; Hereditary Cancer Syndrome. Identifiers: Orphanet 140162, MedGen C0027672, MeSH D009386, MONDO:0015356.

Submission:

Ambry Genetics
Classification: Uncertain significance for Hereditary cancer-predisposing syndrome. Last evaluated: 2019-10-20. Review status: criteria provided, single submitter. Criteria: Ambry Variant Classification Scheme 2023. Collection method: clinical testing. Allele origin: germline.
Comment: The p.T261S variant (also known as c.782C>G), located in coding exon 6 of the DICER1 gene, results from a C to G substitution at nucleotide position 782. The threonine at codon 261 is replaced by serine, an amino acid with similar properties. This amino acid position is not well conserved in available vertebrate species. In addition, this alteration is predicted to be tolerated by in silico analysis. Since supporting evidence is limited at this time, the clinical significance of this alteration remains unclear.

NM_177438.3(DICER1):c.782C>G (p.Thr261Ser)

Gene: DICER1 (dicer 1, ribonuclease III; minus strand). Cytogenetic location: 14q32.13.
Variant type: single nucleotide variant.
Coding change: c.782C>G on transcript NM_177438.3 (MANE Select); coding-DNA position 782, C replaced by G.
Protein change: p.Thr261Ser; replaces threonine 261 with serine.
Molecular consequence: missense variant.
Genome position (GRCh38, 1-based): chr14:95,126,701, G>C on the plus strand (C>G on the coding strand, the complement: DICER1 is on the minus strand). VCF-style: chr14-95126701-G-C. GRCh37 (hg19) VCF-style: chr14-95593038-G-C.
Other names: c.782C>G, p.Thr261Ser (NM_001195573.1, NM_001271282.3, NM_001291628.2 and 1 more transcripts); short protein forms T261S.
Identifiers: ClinVar variation 827276 (VCV000827276.4), dbSNP rs1595448147, ClinGen allele CA390887797.